The following is an entry in ClinVar:

ClinVar aggregate classification (germline): Pathogenic (1 of 4 stars; one submission).

Submission:

Labcorp Genetics (formerly Invitae), Labcorp
Classification: Pathogenic. Last evaluated: 2021-09-29. Review status: criteria provided, single submitter. Criteria: Invitae Variant Classification Sherloc (09022015). Collection method: clinical testing. Allele origin: germline.
Comment: This sequence change creates a premature translational stop signal (p.Tyr1894Thrfs*15) in the ATR gene. It is expected to result in an absent or disrupted protein product. Loss-of-function variants in ATR are known to be pathogenic (PMID: 21228398, 23144622). This variant is not present in population databases (ExAC no frequency). This variant has not been reported in the literature in individuals affected with ATR-related conditions. For these reasons, this variant has been classified as Pathogenic.

Literature cited by the submitters: PubMed 21228398; PubMed 23144622.

NM_001184.4(ATR):c.5679del (p.Tyr1894fs)

Gene: ATR (ATR checkpoint kinase; minus strand). Cytogenetic location: 3q23.
Variant type: Deletion.
Coding change: c.5679del on transcript NM_001184.4 (MANE Select); coding-DNA position 5679, one base deleted (C; older notation c.5679delC).
Protein change: p.Tyr1894fs; shifts the reading frame from tyrosine 1894.
Molecular consequence: frameshift variant.
Genome position (GRCh38, 1-based): chr3:142,497,072, G deleted on the plus strand (C on the coding strand, the reverse complement: ATR is on the minus strand); the first of 2 consecutive G bases (chr3:142,497,072-142,497,073); deleting either gives the same sequence. VCF-style (leftmost placement, unchanged base first): chr3-142497071-AG-A. GRCh37 (hg19) VCF-style: chr3-142215913-AG-A.
Other names: c.5487del, p.Tyr1830fs (NM_001354579.2); short protein forms Y1830fs, Y1894fs.
Identifiers: ClinVar variation 1453489 (VCV001453489.6), dbSNP rs2108335952, ClinGen allele CA2573136669.